The following is an entry in ClinVar:

NM_001048174.2(MUTYH):c.115+20C>G

Gene: MUTYH (mutY DNA glycosylase; minus strand). Cytogenetic location: 1p34.1.
Variant type: single nucleotide variant.
Coding change: c.115+20C>G on transcript NM_001048174.2 (MANE Select); 20 bases into the intron after coding-DNA position 115, C replaced by G.
Molecular consequence: intron variant.
Genome position (GRCh38, 1-based): chr1:45,334,371, G>C on the plus strand (C>G on the coding strand, the complement: MUTYH is on the minus strand). VCF-style: chr1-45334371-G-C. GRCh37 (hg19) VCF-style: chr1-45800043-G-C.
Other names: c.-93+20C>G (NM_001350651.2); c.-98+20C>G (NM_001293192.2, NM_001293196.2); c.-157+20C>G (NM_001350650.2); c.115+20C>G (NM_001048171.2, NM_001048173.2, NM_001048172.2 and 2 more transcripts); c.157+20C>G (NM_001293190.2, NM_012222.3, NM_001128425.2).
Identifiers: ClinVar variation 392292 (VCV000392292.5), dbSNP rs1057524247, ClinGen allele CA16603712.

ClinVar aggregate classification (germline): Likely benign. Review status: criteria provided, multiple submitters, no conflicts (2 of 4 stars). 2 submissions from 2 submitters: Likely benign (2). Last evaluated 2024-04-30.

Conditions:
Familial adenomatous polyposis 2. Also called: COLORECTAL ADENOMATOUS POLYPOSIS, AUTOSOMAL RECESSIVE; MUTYH Polyposis; MUTYH-associated polyposis; MUTYH-related attenuated familial adenomatous polyposis; Adenomas, multiple colorectal; ADENOMAS, MULTIPLE COLORECTAL, AUTOSOMAL RECESSIVE. Identifiers: Orphanet 220460, Orphanet 247798, MedGen C3272841, MONDO:0012041, OMIM 608456.

Submissions (2):

Labcorp Genetics (formerly Invitae), Labcorp
Classification: Likely benign for Familial adenomatous polyposis 2. Last evaluated: 2024-04-30. Review status: criteria provided, single submitter. Criteria: Invitae Variant Classification Sherloc (09022015). Collection method: clinical testing. Allele origin: germline.

GeneDx
Classification: Likely benign. Last evaluated: 2016-12-21. Review status: criteria provided, single submitter. Criteria: GeneDx Variant Classification (06012015). Collection method: clinical testing. Allele origin: germline. Affected: yes.
Comment: This variant is considered likely benign or benign based on one or more of the following criteria: it is a conservative change, it occurs at a poorly conserved position in the protein, it is predicted to be benign by multiple in silico algorithms, and/or has population frequency not consistent with disease.